The following is an entry in ClinVar:

NM_004614.5(TK2):c.706G>A (p.Glu236Lys)

Gene: TK2 (thymidine kinase 2; minus strand). Cytogenetic location: 16q21.
Variant type: single nucleotide variant.
Coding change: c.706G>A on transcript NM_004614.5 (MANE Select); coding-DNA position 706, G replaced by A.
Protein change: p.Glu236Lys; replaces glutamic acid 236 with lysine.
Molecular consequence: missense variant. On other transcripts: 3 prime UTR variant (1), non-coding transcript variant (1).
Genome position (GRCh38, 1-based): chr16:66,512,060, C>T on the plus strand (G>A on the coding strand, the complement: TK2 is on the minus strand). VCF-style: chr16-66512060-C-T. GRCh37 (hg19) VCF-style: chr16-66545963-C-T.
Other names: c.613G>A, p.Glu205Lys (NM_001172643.1); c.631G>A, p.Glu211Lys (NM_001172644.2); c.652G>A, p.Glu218Lys (NM_001172645.2); c.559G>A, p.Glu187Lys (NM_001271934.2); c.*3G>A (NM_001271935.1); c.415G>A, p.Glu139Lys (NM_001272050.2); short protein forms E187K, E211K, E139K, E205K, E236K, E218K.
Identifiers: ClinVar variation 1463092 (VCV001463092.7), dbSNP rs2144333441, ClinGen allele CA396186760.
Genomic context (GRCh38, chr16:66,512,060, plus strand): 5'-ATATTCGATCCCGATTTTGTTCAAAGAGTTCTAACATCCTCTCCATGTGGTGGTCAGCCT[C>T]AATCACCTGGAAATTAGACACATGGGTCACAAGGCTGCACTGACCTCAGCAGCATCCTCC-3'
Protein context (NP_004605.4, residues 226-246): FPMAAPVLVI[Glu236Lys]ADHHMERMLE

ClinVar aggregate classification (germline): Uncertain significance (1 of 4 stars; one submission).

Submission:

Labcorp Genetics (formerly Invitae), Labcorp
Classification: Uncertain significance. Last evaluated: 2024-10-16. Review status: criteria provided, single submitter. Criteria: Invitae Variant Classification Sherloc (09022015). Collection method: clinical testing. Allele origin: germline.
Comment: This sequence change replaces glutamic acid, which is acidic and polar, with lysine, which is basic and polar, at codon 236 of the TK2 protein (p.Glu236Lys). This variant is not present in population databases (gnomAD no frequency). This variant has not been reported in the literature in individuals affected with TK2-related conditions. ClinVar contains an entry for this variant (Variation ID: 1463092). Invitae Evidence Modeling of protein sequence and biophysical properties (such as structural, functional, and spatial information, amino acid conservation, physicochemical variation, residue mobility, and thermodynamic stability) has been performed for this missense variant. However, the output from this modeling did not meet the statistical confidence thresholds required to predict the impact of this variant on TK2 protein function. In summary, the available evidence is currently insufficient to determine the role of this variant in disease. Therefore, it has been classified as a Variant of Uncertain Significance.